The following is an entry in ClinVar:

NM_000789.4(ACE):c.1589A>G (p.Tyr530Cys)

Gene: ACE (angiotensin I converting enzyme; plus strand). Cytogenetic location: 17q23.3.
Variant type: single nucleotide variant.
Coding change: c.1589A>G on transcript NM_000789.4 (MANE Select); coding-DNA position 1589, A replaced by G.
Protein change: p.Tyr530Cys; replaces tyrosine 530 with cysteine.
Molecular consequence: missense variant.
Genome position (GRCh38, 1-based): chr17:63,483,851, A>G. VCF-style: chr17-63483851-A-G. GRCh37 (hg19) VCF-style: chr17-61561212-A-G.
Other names: c.1022A>G, p.Tyr341Cys (NM_001382700.1); c.737A>G, p.Tyr246Cys (NM_001382701.1); short protein forms Y530C, Y246C, Y341C.
Identifiers: ClinVar variation 1916683 (VCV001916683.5), dbSNP rs745506888, ClinGen allele CA8699633.
Genomic context (GRCh38, chr17:63,483,851, plus strand): 5'-AGGAACCCCTGTTCCTGGCCCCCCATGATCTTCCCTGACTCCCACCCTGTGCCTGCAGGT[A>G]CTTTGTGAGTTTTGTCCTGCAGTTCCAGTTCCATGAAGCCCTGTGCAAGGAGGCAGGCTA-3'
Protein context (NP_000780.1, residues 520-540): HVPNVTPYIR[Tyr530Cys]FVSFVLQFQF

ClinVar aggregate classification (germline): Uncertain significance (1 of 4 stars; one submission).

Allele frequency attached by ClinVar (database versions not stated): gnomAD exomes 0.00001; ExAC 0.00002.
gnomAD v4.1: 8 of 1,613,990 alleles (0.0005%); highest among the groups gnomAD compares: Admixed American, 0.0067%; no homozygotes.

Submission:

Labcorp Genetics (formerly Invitae), Labcorp
Classification: Uncertain significance. Last evaluated: 2022-07-25. Review status: criteria provided, single submitter. Criteria: Invitae Variant Classification Sherloc (09022015). Collection method: clinical testing. Allele origin: germline.
Comment: This variant is present in population databases (rs745506888, gnomAD 0.009%). This sequence change replaces tyrosine, which is neutral and polar, with cysteine, which is neutral and slightly polar, at codon 530 of the ACE protein (p.Tyr530Cys). This variant has not been reported in the literature in individuals affected with ACE-related conditions. In summary, the available evidence is currently insufficient to determine the role of this variant in disease. Therefore, it has been classified as a Variant of Uncertain Significance. Algorithms developed to predict the effect of missense changes on protein structure and function (SIFT, PolyPhen-2, Align-GVGD) all suggest that this variant is likely to be disruptive.